The following is an entry in ClinVar:

ClinVar aggregate classification (germline): Likely pathogenic. Review status: criteria provided, multiple submitters, no conflicts (2 of 4 stars). 2 submissions from 2 submitters: Likely pathogenic (2). Last evaluated 2026-05-19.

Conditions:
Glycogen storage disease, type II (IOPD). Also called: CARDIOMEGALIA GLYCOGENICA DIFFUSA; GLYCOGENOSIS, GENERALIZED, CARDIAC FORM; GSD II; Glycogen storage disease type 2; Acid maltase deficiency disease; Aglucosidase alfa. Identifiers: Orphanet 365, MedGen C0017921, MONDO:0009290, OMIM 232300.

Submissions (2):

Women's Health and Genetics/Laboratory Corporation of America, LabCorp
Classification: Likely pathogenic for Glycogen storage disease, type II. Last evaluated: 2026-05-19. Review status: criteria provided, single submitter. Criteria: LabCorp Variant Classification Summary - May 2015. Collection method: clinical testing. Allele origin: germline.
Comment: Variant summary: GAA c.1583G>T (p.Gly528Val) results in a non-conservative amino acid change in the encoded protein sequence. Algorithms developed to predict the effect of missense changes on protein structure and function all suggest that this variant is likely to be disruptive. The variant was absent in 251210 control chromosomes. The available data on variant occurrences in the general population are insufficient to allow any conclusion about variant significance. c.1583G>T has been observed in a compound heterozygous state in at-least one individual affected with infantile-onset Pompe disease (Tardieu_2023). These data do not allow any conclusion about variant significance. To our knowledge, no experimental evidence demonstrating an impact on protein function has been reported. A different variant affecting the same codon has been classified as likely pathogenic (c.1583G>C p.Gly528Ala) by our lab, supporting the critical relevance of codon 528 to GAA protein function. Internally validated machine learning-based Evidence Modeling of protein sequence and biophysical properties (such as structural, functional, and spatial information, amino acid conservation, physicochemical variation, residue mobility, and thermodynamic stability) indicates that this missense variant is expected to disrupt protein function with a positive predictive value of at least 95%.The following publication has been ascertained in the context of this evaluation (PMID: 37235686). ClinVar contains an entry for this variant (Variation ID: 2808313). Based on the evidence outlined above, the variant was classified as likely pathogenic.

Labcorp Genetics (formerly Invitae), Labcorp
Classification: Likely pathogenic for Glycogen storage disease, type II. Last evaluated: 2022-10-12. Review status: criteria provided, single submitter. Criteria: Invitae Variant Classification Sherloc (09022015). Collection method: clinical testing. Allele origin: germline.
Comment: Advanced modeling of protein sequence and biophysical properties (such as structural, functional, and spatial information, amino acid conservation, physicochemical variation, residue mobility, and thermodynamic stability) performed at Invitae indicates that this missense variant is expected to disrupt GAA protein function. This sequence change replaces glycine, which is neutral and non-polar, with valine, which is neutral and non-polar, at codon 528 of the GAA protein (p.Gly528Val). This variant is not present in population databases (gnomAD no frequency). This variant has not been reported in the literature in individuals affected with GAA-related conditions. This variant disrupts the p.Gly528 amino acid residue in GAA. Other variant(s) that disrupt this residue have been determined to be pathogenic (PMID: 31086307). This suggests that this residue is clinically significant, and that variants that disrupt this residue are likely to be disease-causing. In summary, the currently available evidence indicates that the variant is pathogenic, but additional data are needed to prove that conclusively. Therefore, this variant has been classified as Likely Pathogenic.

Literature cited by the submitters: PubMed 37235686 (cited by Women's Health and Genetics/Laboratory Corporation of America, LabCorp); PubMed 31086307 (cited by Labcorp Genetics (formerly Invitae), Labcorp).

NM_000152.5(GAA):c.1583G>T (p.Gly528Val)

Gene: GAA (alpha glucosidase; plus strand). Cytogenetic location: 17q25.3.
Variant type: single nucleotide variant.
Coding change: c.1583G>T on transcript NM_000152.5 (MANE Select); coding-DNA position 1583, G replaced by T.
Protein change: p.Gly528Val; replaces glycine 528 with valine.
Molecular consequence: missense variant.
Genome position (GRCh38, 1-based): chr17:80,110,972, G>T. VCF-style: chr17-80110972-G-T. GRCh37 (hg19) VCF-style: chr17-78084771-G-T.
Other names: c.1583G>T, p.Gly528Val (NM_001079803.3, NM_001079804.3, NM_001406741.1 and 1 more transcripts); short protein forms G528V.
Identifiers: ClinVar variation 2808313 (VCV002808313.4), dbSNP rs794727016, ClinGen allele CA401367252.